The following is an entry in ClinVar:

NM_001843.4(CNTN1):c.1229-85G>A

Gene: CNTN1 (contactin 1; plus strand). Cytogenetic location: 12q12.
Variant type: single nucleotide variant.
Coding change: c.1229-85G>A on transcript NM_001843.4 (MANE Select); 85 bases into the intron before coding-DNA position 1229, G replaced by A.
Molecular consequence: intron variant.
Genome position (GRCh38, 1-based): chr12:40,939,250, G>A. VCF-style: chr12-40939250-G-A. GRCh37 (hg19) VCF-style: chr12-41333052-G-A.
Other names: NC_000012.11:g.41333052G>A; c.1229-85G>A (NM_001256063.2, NM_001256064.2); c.1196-85G>A (NM_175038.2).
Identifiers: ClinVar variation 679158 (VCV000679158.3), dbSNP rs34601389, ClinGen allele CA235402887.

ClinVar aggregate classification (germline): Likely benign. Review status: criteria provided, multiple submitters, no conflicts (2 of 4 stars). 2 submissions from 2 submitters: Likely benign (2). Last evaluated 2018-06-19.

Allele frequency attached by ClinVar (database versions not stated): gnomAD 0.03462 and 0.03567; 1000 Genomes Project 0.03634; 1000 Genomes Project 30x 0.03670; TOPMed 0.03670.
gnomAD v4.1: 60,030 of 1,406,300 alleles (4.3%); highest among the groups gnomAD compares: Middle Eastern, 9.6%; 1,501 homozygotes.

Submissions (9):

GeneDx
Classification: Likely benign. Last evaluated: 2018-06-19. Review status: criteria provided, single submitter. Criteria: GeneDx Variant Classification (06012015). Collection method: clinical testing. Allele origin: germline. Affected: yes.
Comment: This variant is considered likely benign or benign based on one or more of the following criteria: it is a conservative change, it occurs at a poorly conserved position in the protein, it is predicted to be benign by multiple in silico algorithms, and/or has population frequency not consistent with disease.

Breakthrough Genomics
Classification: Likely benign. Review status: criteria provided, single submitter. Criteria: ACMG Guidelines, 2015. Collection method: not provided. Allele origin: germline. Inheritance: Autosomal recessive inheritance. Affected: yes.

Dr. Peter K. Rogan Lab, Western University
No classification provided (evidence only). Condition: Uterine corpus endometrial carcinoma. Review status: no classification provided. Collection method: in vitro. Allele origin: not applicable. Functional consequence: retained intron. Not counted in ClinVar's aggregate classification.

Dr. Peter K. Rogan Lab, Western University
No classification provided (evidence only). Condition: Uterine corpus endometrial carcinoma. Review status: no classification provided. Collection method: in vitro. Allele origin: not applicable. Functional consequence: retained intron. Not counted in ClinVar's aggregate classification.

Dr. Peter K. Rogan Lab, Western University
No classification provided (evidence only). Condition: Malignant lymphoma, large B-cell, diffuse. Review status: no classification provided. Collection method: in vitro. Allele origin: not applicable. Functional consequence: retained intron. Not counted in ClinVar's aggregate classification.

Dr. Peter K. Rogan Lab, Western University
No classification provided (evidence only). Condition: Malignant lymphoma, large B-cell, diffuse. Review status: no classification provided. Collection method: in vitro. Allele origin: not applicable. Functional consequence: retained intron. Not counted in ClinVar's aggregate classification.

Dr. Peter K. Rogan Lab, Western University
No classification provided (evidence only). Condition: Gastric cancer. Review status: no classification provided. Collection method: in vitro. Allele origin: not applicable. Functional consequence: retained intron. Not counted in ClinVar's aggregate classification.

Dr. Peter K. Rogan Lab, Western University
No classification provided (evidence only). Condition: Gastric cancer. Review status: no classification provided. Collection method: in vitro. Allele origin: not applicable. Functional consequence: retained intron. Not counted in ClinVar's aggregate classification.

Dr. Peter K. Rogan Lab, Western University
No classification provided (evidence only). Condition: Gastric cancer. Review status: no classification provided. Collection method: in vitro. Allele origin: not applicable. Functional consequence: retained intron. Not counted in ClinVar's aggregate classification.